The following is an entry in ClinVar:

NM_002769.5(PRSS1):c.41-5del

Genes: PRSS1 (serine protease 1; plus strand), TRB (T cell receptor beta locus; plus strand). Cytogenetic location: 7q34.
Variant type: Deletion.
Coding change: c.41-5del on transcript NM_002769.5 (MANE Select); 5 bases into the intron before coding-DNA position 41, one base deleted (T; older notation c.41-5delT).
Molecular consequence: intron variant.
Genome position (GRCh38, 1-based): chr7:142,750,550, T deleted. VCF-style (leftmost placement, unchanged base first): chr7-142750549-CT-C. GRCh37 (hg19) VCF-style: chr7-142458400-CT-C.
Identifiers: ClinVar variation 824642 (VCV000824642.5), dbSNP rs1161040461, ClinGen allele CA578625835.

ClinVar aggregate classification (germline): Uncertain significance (1 of 4 stars; one submission).

Conditions:
Hereditary pancreatitis (PCTT). Also called: Hereditary chronic pancreatitis; PRSS1-Related Hereditary Pancreatitis. Identifiers: Orphanet 676, MedGen C0238339, MONDO:0008185, OMIM 167800.

Allele frequency attached by ClinVar (database versions not stated): gnomAD exomes below 0.00001.

Submission:

Ambry Genetics
Classification: Uncertain significance for Hereditary pancreatitis. Last evaluated: 2025-06-20. Review status: criteria provided, single submitter. Criteria: Ambry Variant Classification Scheme 2023. Collection method: clinical testing. Allele origin: germline.
Comment: The c.41-5delT intronic variant is located 5 nucleotides before coding exon 2 of the PRSS1 gene. This variant results from a deletion of one nucleotide at position c.41-5. This nucleotide position is not well conserved in available vertebrate species. In silico splice site analysis predicts that this alteration will not have any significant effect on splicing. Based on the available evidence, the clinical significance of this variant remains unclear.